The following is an entry in ClinVar:

ClinVar aggregate classification (germline): Uncertain significance (1 of 4 stars; one submission).

Submission:

Labcorp Genetics (formerly Invitae), Labcorp
Classification: Uncertain significance. Last evaluated: 2023-08-04. Review status: criteria provided, single submitter. Criteria: Invitae Variant Classification Sherloc (09022015). Collection method: clinical testing. Allele origin: germline.
Comment: This sequence change replaces alanine, which is neutral and non-polar, with threonine, which is neutral and polar, at codon 43 of the CCDC50 protein (p.Ala43Thr). This variant is not present in population databases (gnomAD no frequency). This variant has not been reported in the literature in individuals affected with CCDC50-related conditions. ClinVar contains an entry for this variant (Variation ID: 1471683). An algorithm developed to predict the effect of missense changes on protein structure and function (PolyPhen-2) suggests that this variant is likely to be disruptive. In summary, the available evidence is currently insufficient to determine the role of this variant in disease. Therefore, it has been classified as a Variant of Uncertain Significance.

NM_178335.3(CCDC50):c.127G>A (p.Ala43Thr)

Gene: CCDC50 (coiled-coil domain containing 50; plus strand). Cytogenetic location: 3q28.
Variant type: single nucleotide variant.
Coding change: c.127G>A on transcript NM_178335.3 (MANE Select); coding-DNA position 127, G replaced by A.
Protein change: p.Ala43Thr; replaces alanine 43 with threonine.
Molecular consequence: missense variant.
Genome position (GRCh38, 1-based): chr3:191,358,012, G>A. VCF-style: chr3-191358012-G-A. GRCh37 (hg19) VCF-style: chr3-191075801-G-A.
Other names: c.127G>A, p.Ala43Thr (NM_174908.4); short protein forms A43T.
Identifiers: ClinVar variation 1471683 (VCV001471683.6), dbSNP rs2108648959, ClinGen allele CA355761075.